The following is an entry in ClinVar:

ClinVar aggregate classification (germline): Uncertain significance (1 of 4 stars; one submission).

Conditions:
Emery-Dreifuss muscular dystrophy 4, autosomal dominant (EDMD4). Also called: EMERY-DREIFUSS MUSCULAR DYSTROPHY 4 WITH VARIABLE FEATURES. Identifiers: Orphanet 261, MedGen C2751807, MONDO:0013071, OMIM 612998.
Autosomal recessive ataxia, Beauce type. Also called: Spinocerebellar ataxia, autosomal recessive 8; ATAXIA, RECESSIVE, OF BEAUCE; SYNE1-Related Autosomal Recessive Cerebellar Ataxia; SYNE1 Deficiency. Identifiers: Orphanet 88644, MedGen C1853116, MONDO:0012549, OMIM 610743.

Allele frequency attached by ClinVar (database versions not stated): gnomAD exomes below 0.00001.
gnomAD v4.1: 1 of 1,614,218 alleles (0.000062%); highest among the groups gnomAD compares: Non-Finnish European, 0.000085%; no homozygotes.

Submission:

Labcorp Genetics (formerly Invitae), Labcorp
Classification: Uncertain significance for Emery-Dreifuss muscular dystrophy 4, autosomal dominant; Autosomal recessive ataxia, Beauce type. Last evaluated: 2025-10-27. Review status: criteria provided, single submitter. Criteria: Invitae Variant Classification Sherloc (09022015). Collection method: clinical testing. Allele origin: germline.
Comment: This sequence change replaces lysine, which is basic and polar, with glutamic acid, which is acidic and polar, at codon 4262 of the SYNE1 protein (p.Lys4262Glu). This variant is not present in population databases (gnomAD no frequency). This variant has not been reported in the literature in individuals affected with SYNE1-related conditions. ClinVar contains an entry for this variant (Variation ID: 2933728). An algorithm developed to predict the effect of missense changes on protein structure and function outputs the following: PolyPhen-2: "Benign". The glutamic acid amino acid residue is found in multiple mammalian species, which suggests that this missense change does not adversely affect protein function. In summary, the available evidence is currently insufficient to determine the role of this variant in disease. Therefore, it has been classified as a Variant of Uncertain Significance.

NM_182961.4(SYNE1):c.12997A>G (p.Lys4333Glu)

Gene: SYNE1 (spectrin repeat containing nuclear envelope protein 1; minus strand). Cytogenetic location: 6q25.2.
Variant type: single nucleotide variant.
Coding change: c.12997A>G on transcript NM_182961.4 (MANE Select); coding-DNA position 12997, A replaced by G.
Protein change: p.Lys4333Glu; replaces lysine 4333 with glutamic acid.
Molecular consequence: missense variant.
Genome position (GRCh38, 1-based): chr6:152,331,688, T>C on the plus strand (A>G on the coding strand, the complement: SYNE1 is on the minus strand). VCF-style: chr6-152331688-T-C. GRCh37 (hg19) VCF-style: chr6-152652823-T-C.
Other names: c.12784A>G, p.Lys4262Glu (NM_033071.5); short protein forms K4333E, K4262E.
Identifiers: ClinVar variation 2933728 (VCV002933728.3), dbSNP rs2485328814, ClinGen allele CA366103088.